The following is an entry in ClinVar:

NM_001184.4(ATR):c.7408A>G (p.Ile2470Val)

Gene: ATR (ATR checkpoint kinase; minus strand). Cytogenetic location: 3q23.
Variant type: single nucleotide variant.
Coding change: c.7408A>G on transcript NM_001184.4 (MANE Select); coding-DNA position 7408, A replaced by G.
Protein change: p.Ile2470Val; replaces isoleucine 2470 with valine.
Molecular consequence: missense variant.
Genome position (GRCh38, 1-based): chr3:142,459,053, T>C on the plus strand (A>G on the coding strand, the complement: ATR is on the minus strand). VCF-style: chr3-142459053-T-C. GRCh37 (hg19) VCF-style: chr3-142177895-T-C.
Other names: c.7216A>G, p.Ile2406Val (NM_001354579.2); short protein forms I2470V, I2406V.
Identifiers: ClinVar variation 931291 (VCV000931291.5), dbSNP rs2070968355, ClinGen allele CA354796142.

ClinVar aggregate classification (germline): Uncertain significance. Review status: criteria provided, multiple submitters, no conflicts (2 of 4 stars). 2 submissions from 2 submitters: Uncertain significance (2). Last evaluated 2024-11-24.

Conditions:
Seckel syndrome 1 (SCKL1). Also called: MICROCEPHALIC PRIMORDIAL DWARFISM I. Identifiers: Orphanet 808, MedGen C4551474, MONDO:0008869, OMIM 210600.

Allele frequency attached by ClinVar (database versions not stated): TOPMed below 0.00001.

Submissions (2):

Labcorp Genetics (formerly Invitae), Labcorp
Classification: Uncertain significance. Last evaluated: 2024-11-24. Review status: criteria provided, single submitter. Criteria: Invitae Variant Classification Sherloc (09022015). Collection method: clinical testing. Allele origin: germline.
Comment: This sequence change replaces isoleucine, which is neutral and non-polar, with valine, which is neutral and non-polar, at codon 2470 of the ATR protein (p.Ile2470Val). This variant is not present in population databases (gnomAD no frequency). This variant has not been reported in the literature in individuals affected with ATR-related conditions. ClinVar contains an entry for this variant (Variation ID: 931291). An algorithm developed to predict the effect of missense changes on protein structure and function (PolyPhen-2) suggests that this variant is likely to be tolerated. In summary, the available evidence is currently insufficient to determine the role of this variant in disease. Therefore, it has been classified as a Variant of Uncertain Significance.

Centre for Mendelian Genomics, University Medical Centre Ljubljana
Classification: Uncertain significance for Seckel syndrome 1. Last evaluated: 2018-11-07. Review status: criteria provided, single submitter. Criteria: ACMG Guidelines, 2015. Collection method: clinical testing. Allele origin: unknown. Affected: yes.
Comment: This variant was classified as: Uncertain significance. The available evidence on this variant's pathogenicity is insufficient or conflicting. The following ACMG criteria were applied in classifying this variant: PM2,PP3.